The following is an entry in ClinVar:

GRCh37/hg19 8q24.3(chr8:144819498-145210080)x1

Genes: CYC1 (cytochrome c1; plus strand), EPPK1 (epiplakin 1; minus strand), EXOSC4 (exosome component 4; plus strand), GPAA1 (glycosylphosphatidylinositol anchor attachment 1; plus strand), GRINA (glutamate ionotropic receptor NMDA type subunit associated protein 1; plus strand) and 12 more. Cytogenetic location: 8q24.3.
Variant type: copy number loss.
Change: copy number 1 (one copy instead of two) of chr8:144,819,498-145,210,080 (390.6 kb, GRCh37 coordinates, 1-based), cytogenetic band 8q24.3.
Identifiers: ClinVar variation 4682716 (VCV004682716.1).

ClinVar aggregate classification (germline): Pathogenic (1 of 4 stars; one submission).

Submission:

Quest Diagnostics Nichols Institute San Juan Capistrano
Classification: Pathogenic. Last evaluated: 2024-12-16. Review status: criteria provided, single submitter. Criteria: ACMG/ClinGen CNV Guidelines, 2019. Collection method: clinical testing. Allele origin: unknown.
Comment: This deletion involves at least 19 protein-coding genes, including PUF60 (OMIM 604819) and PLEC (OMIM 601282). Haploinsufficiency of PUF60 is associated with autosomal dominant Verheij syndrome (VRJS; OMIM 615583; CCID:007732; Fennell 2022, Sivasubramanian 2024). Heterozygous deletions involving PUF60 and overlapping with the current interval have also been reported in individuals with the variable phenotypes associated with VRJS (Dauber 2013). Therefore, based on current medical literature, this copy number variant (CNV) is classified as pathogenic. References: Dauber et al., Am J Hum Genet. 2013 Nov 7;93(5):798-811. PMID: 24140112 Fennell et al., Am J Med Genet A. 2022 Dec;188(12):3432-3447. PMID: 36367278 Sivasubramanian et al., Cureus. 2024 Aug 12;16(8):e66692. PMID: 39268253